The following is an entry in ClinVar:

ClinVar aggregate classification (germline): Uncertain significance (1 of 4 stars; one submission).

Conditions:
Hereditary cancer-predisposing syndrome. Also called: Hereditary Cancer Syndrome; Hereditary neoplastic syndrome; Neoplastic Syndromes, Hereditary; Tumor predisposition. Identifiers: Orphanet 140162, MedGen C0027672, MeSH D009386, MONDO:0015356.

Submission:

Labcorp Genetics (formerly Invitae), Labcorp
Classification: Uncertain significance for Hereditary cancer-predisposing syndrome. Last evaluated: 2021-09-02. Review status: criteria provided, single submitter. Criteria: Invitae Variant Classification Sherloc (09022015). Collection method: clinical testing. Allele origin: germline.
Comment: In summary, the available evidence is currently insufficient to determine the role of this variant in disease. Therefore, it has been classified as a Variant of Uncertain Significance. Experimental studies and prediction algorithms are not available or were not evaluated, and the functional significance of this variant is currently unknown. This variant has not been reported in the literature in individuals affected with RAD50-related conditions. This variant results in a copy number gain of the genomic region encompassing exon(s) 20-25 of the RAD50 gene. This region includes the termination codon of the gene. This copy number gain extends beyond the assayed region for this gene and therefore may encompass additional genes. As the precise location of this event is unknown, it may be in tandem or it may be located elsewhere in the genome.

NC_000005.9:g.(?_131951685)_(131978056_?)dup

Gene: RAD50 (RAD50 double strand break repair protein; plus strand). Cytogenetic location: 5q31.1.
Variant type: Duplication.
Identifiers: ClinVar variation 1448442 (VCV001448442.4).